The following is an entry in ClinVar:

ClinVar aggregate classification (germline): Uncertain significance (1 of 4 stars; one submission).

Conditions:
Hereditary cancer-predisposing syndrome. Also called: Tumor predisposition; Neoplastic Syndromes, Hereditary; Hereditary neoplastic syndrome; Hereditary Cancer Syndrome. Identifiers: Orphanet 140162, MedGen C0027672, MeSH D009386, MONDO:0015356.

gnomAD v4.1: 1 of 1,614,062 alleles (0.000062%); highest among the groups gnomAD compares: Non-Finnish European, 0.000085%; no homozygotes.

Submission:

Ambry Genetics
Classification: Uncertain significance for Hereditary cancer-predisposing syndrome. Last evaluated: 2024-09-30. Review status: criteria provided, single submitter. Criteria: Ambry Variant Classification Scheme 2023. Collection method: clinical testing. Allele origin: germline.
Comment: The p.L1651V variant (also known as c.4951T>G), located in coding exon 32 of the ATM gene, results from a T to G substitution at nucleotide position 4951. The leucine at codon 1651 is replaced by valine, an amino acid with highly similar properties. This amino acid position is conserved. In addition, the in silico prediction for this alteration is inconclusive. Based on the available evidence, the clinical significance of this variant remains unclear.

NM_000051.4(ATM):c.4951T>G (p.Leu1651Val)

Gene: ATM (ATM serine/threonine kinase; plus strand). Cytogenetic location: 11q22.3.
Variant type: single nucleotide variant.
Coding change: c.4951T>G on transcript NM_000051.4 (MANE Select); coding-DNA position 4951, T replaced by G.
Protein change: p.Leu1651Val; replaces leucine 1651 with valine.
Molecular consequence: missense variant.
Genome position (GRCh38, 1-based): chr11:108,297,328, T>G. VCF-style: chr11-108297328-T-G. GRCh37 (hg19) VCF-style: chr11-108168055-T-G.
Other names: c.4951T>G, p.Leu1651Val (NM_001351834.2); short protein forms L1651V.
Identifiers: ClinVar variation 3451662 (VCV003451662.1).